The following is an entry in ClinVar:

NM_000426.4(LAMA2):c.4811C>T (p.Ala1604Val)

Gene: LAMA2 (laminin subunit alpha 2; plus strand). Cytogenetic location: 6q22.33.
Variant type: single nucleotide variant.
Coding change: c.4811C>T on transcript NM_000426.4 (MANE Select); coding-DNA position 4811, C replaced by T.
Protein change: p.Ala1604Val; replaces alanine 1604 with valine.
Molecular consequence: missense variant.
Genome position (GRCh38, 1-based): chr6:129,366,312, C>T. VCF-style: chr6-129366312-C-T. GRCh37 (hg19) VCF-style: chr6-129687457-C-T.
Other names: c.4811C>T, p.Ala1604Val (NM_001079823.2); c.4811C>T (NM_000426.3); short protein forms A1604V.
Identifiers: ClinVar variation 1057534 (VCV001057534.5), dbSNP rs748127741, ClinGen allele CA3993676.

ClinVar aggregate classification (germline): Uncertain significance. Review status: criteria provided, multiple submitters, no conflicts (2 of 4 stars). 2 submissions from 2 submitters: Uncertain significance (2). Last evaluated 2026-01-12.

Conditions:
LAMA2-related muscular dystrophy (LAMA2-RD). Also called: Laminin alpha 2-related dystrophy. Identifiers: MedGen C5679788, MONDO:0100228.

Allele frequency attached by ClinVar (database versions not stated): gnomAD 0.00001 and 0.00002; gnomAD exomes 0.00001 and 0.00002; ExAC 0.00002; TOPMed 0.00003; 1000 Genomes Project 30x 0.00016.
gnomAD v4.1: 21 of 1,613,522 alleles (0.0013%); highest among the groups gnomAD compares: Admixed American, 0.017%; no homozygotes.

Submissions (2):

Labcorp Genetics (formerly Invitae), Labcorp
Classification: Uncertain significance for LAMA2-related muscular dystrophy. Last evaluated: 2026-01-12. Review status: criteria provided, single submitter. Criteria: Invitae Variant Classification Sherloc (09022015). Collection method: clinical testing. Allele origin: germline.
Comment: This sequence change replaces alanine, which is neutral and non-polar, with valine, which is neutral and non-polar, at codon 1604 of the LAMA2 protein (p.Ala1604Val). This variant is present in population databases (rs748127741, gnomAD 0.01%). This variant has not been reported in the literature in individuals affected with LAMA2-related conditions. ClinVar contains an entry for this variant (Variation ID: 1057534). Invitae Evidence Modeling of protein sequence and biophysical properties (such as structural, functional, and spatial information, amino acid conservation, physicochemical variation, residue mobility, and thermodynamic stability) indicates that this missense variant is not expected to disrupt LAMA2 protein function with a negative predictive value of 95%. In summary, the available evidence is currently insufficient to determine the role of this variant in disease. Therefore, it has been classified as a Variant of Uncertain Significance.

Revvity Omics, Revvity
Classification: Uncertain significance. Last evaluated: 2024-01-30. Review status: criteria provided, single submitter. Criteria: ACMG Guidelines, 2015. Collection method: clinical testing. Allele origin: germline.